The following is an entry in ClinVar:

ClinVar aggregate classification (germline): Pathogenic/Likely pathogenic. Review status: criteria provided, multiple submitters, no conflicts (2 of 4 stars). 2 submissions from 2 submitters: Pathogenic (1); Likely pathogenic (1). Last evaluated 2024-11-30.

Conditions:
Nemaline myopathy 2 (NEM2). Also called: Nemaline myopathy 2, autosomal recessive. Identifiers: MedGen C1850569, MONDO:0009725, OMIM 256030.

Submissions (2):

Natera, Inc.
Classification: Likely pathogenic for Nemaline myopathy type 2. Last evaluated: 2024-11-30. Review status: criteria provided, single submitter. Criteria: Natera Variant Classification Schema (03/2026). Collection method: clinical testing. Allele origin: germline.
Comment: The c.22881dup variant in NEB is a frameshift variant predicted to shift the reading frame beginning at codon 7628 and leads to a stop codon 16 codons downstream. This variant is expected to result in nonsense mediated decay, truncation, or a dysfunctional protein product. This variant is rare in the general population with a frequency below the threshold expected for the associated phenotype(s). Given the available evidence, this variant is classified as Likely Pathogenic.

Labcorp Genetics (formerly Invitae), Labcorp
Classification: Pathogenic for Nemaline myopathy 2. Last evaluated: 2019-12-16. Review status: criteria provided, single submitter. Criteria: Invitae Variant Classification Sherloc (09022015). Collection method: clinical testing. Allele origin: germline.
Comment: For these reasons, this variant has been classified as Pathogenic. Loss-of-function variants in NEB are known to be pathogenic (PMID: 25205138). This variant has not been reported in the literature in individuals with NEB-related conditions. This variant is not present in population databases (ExAC no frequency). This sequence change creates a premature translational stop signal (p.Glu7628Argfs*16) in the NEB gene. It is expected to result in an absent or disrupted protein product.

Literature cited by the submitters: PubMed 25205138 (cited by Labcorp Genetics (formerly Invitae), Labcorp).

NM_001164508.2(NEB):c.22776dup (p.Glu7593fs)

Genes: NEB (nebulin; minus strand), RIF1 (replication timing regulatory factor 1; plus strand). Cytogenetic location: 2q23.3.
Variant type: Duplication.
Coding change: c.22776dup on transcript NM_001164508.2 (MANE Select); coding-DNA position 22776, one base duplicated (A; older notation c.22776dupA).
Protein change: p.Glu7593fs; shifts the reading frame from glutamic acid 7593.
Molecular consequence: frameshift variant.
Genome position (GRCh38, 1-based): chr2:151,518,342, T duplicated on the plus strand (A on the coding strand, the reverse complement: NEB is on the minus strand); the first of 4 consecutive T bases (chr2:151,518,342-151,518,345); duplicating any one gives the same sequence. VCF-style (leftmost placement, unchanged base first): chr2-151518341-C-CT. GRCh37 (hg19) VCF-style: chr2-152374855-C-CT.
Other names: c.22776dup, p.Glu7593fs (NM_001164507.2); c.22881dup, p.Glu7628fs (NM_001271208.2); c.17673dup, p.Glu5892fs (NM_004543.5); short protein forms E5892fs, E7593fs, E7628fs.
Identifiers: ClinVar variation 844887 (VCV000844887.9), dbSNP rs2079459982, ClinGen allele CA916080271.